The following is an entry in ClinVar:

ClinVar aggregate classification (germline): Likely benign (0 of 4 stars; one submission).

Conditions:
NINL-related disorder. Also called: NINL-related condition.

Allele frequency attached by ClinVar (database versions not stated): 1000 Genomes Project 30x 0.00016; gnomAD 0.00018; TOPMed 0.00018; 1000 Genomes Project 0.00020; gnomAD exomes 0.00024; ExAC 0.00053.
gnomAD v4.1: 390 of 1,614,218 alleles (0.024%); highest among the groups gnomAD compares: South Asian, 0.27%; 5 homozygotes.

Submission:

PreventionGenetics, part of Exact Sciences
Classification: Likely benign for NINL-related condition. Last evaluated: 2023-01-19. Review status: no assertion criteria provided. Collection method: clinical testing. Allele origin: germline.
Comment: This variant is classified as likely benign based on ACMG/AMP sequence variant interpretation guidelines (Richards et al. 2015 PMID: 25741868, with internal and published modifications).

NM_025176.6(NINL):c.361G>A (p.Ala121Thr)

Gene: NINL (ninein like; minus strand). Cytogenetic location: 20p11.21.
Variant type: single nucleotide variant.
Coding change: c.361G>A on transcript NM_025176.6 (MANE Select); coding-DNA position 361, G replaced by A.
Protein change: p.Ala121Thr; replaces alanine 121 with threonine.
Molecular consequence: missense variant.
Genome position (GRCh38, 1-based): chr20:25,512,923, C>T on the plus strand (G>A on the coding strand, the complement: NINL is on the minus strand). VCF-style: chr20-25512923-C-T. GRCh37 (hg19) VCF-style: chr20-25493559-C-T.
Other names: c.361G>A, p.Ala121Thr (NM_001318226.2); short protein forms A121T.
Identifiers: ClinVar variation 3041161 (VCV003041161.2), dbSNP rs201891720, ClinGen allele CA9798139.
Genomic context (GRCh38, chr20:25,512,923, plus strand): 5'-AGAGGTGACTTTTCAGGCTGGCCTGGGTTTGCTGCTCCGGCACGCGTCTGGCTTCTGTGG[C>T]AGCGTCACATAGCTCAGGCCGGCTCCGACGGCCATACCACTTAGAACCATTCACATACTT-3'
Protein context (NP_079452.3, residues 111-131): RRSRPELCDA[Ala121Thr]TEARRVPEQQ